The following is an entry in ClinVar:

ClinVar aggregate classification (germline): Uncertain significance (1 of 4 stars; one submission).

Allele frequency attached by ClinVar (database versions not stated): gnomAD exomes 0.00001.
gnomAD v4.1: 4 of 1,613,500 alleles (0.00025%); highest among the groups gnomAD compares: Non-Finnish European, 0.00034%; no homozygotes.

Submission:

Labcorp Genetics (formerly Invitae), Labcorp
Classification: Uncertain significance. Last evaluated: 2022-08-16. Review status: criteria provided, single submitter. Criteria: Invitae Variant Classification Sherloc (09022015). Collection method: clinical testing. Allele origin: germline.
Comment: This variant is not present in population databases (gnomAD no frequency). This variant has not been reported in the literature in individuals affected with ARMC9-related conditions. ClinVar contains an entry for this variant (Variation ID: 1518529). Experimental studies and prediction algorithms are not available or were not evaluated, and the functional significance of this variant is currently unknown. In summary, the available evidence is currently insufficient to determine the role of this variant in disease. Therefore, it has been classified as a Variant of Uncertain Significance. This sequence change replaces valine, which is neutral and non-polar, with isoleucine, which is neutral and non-polar, at codon 579 of the ARMC9 protein (p.Val579Ile).

NM_001352754.2(ARMC9):c.1735G>A (p.Val579Ile)

Gene: ARMC9 (armadillo repeat containing 9; plus strand). Cytogenetic location: 2q37.1.
Variant type: single nucleotide variant.
Coding change: c.1735G>A on transcript NM_001352754.2 (MANE Select); coding-DNA position 1735, G replaced by A.
Protein change: p.Val579Ile; replaces valine 579 with isoleucine.
Molecular consequence: missense variant. On other transcripts: non-coding transcript variant (1).
Genome position (GRCh38, 1-based): chr2:231,296,215, G>A. VCF-style: chr2-231296215-G-A. GRCh37 (hg19) VCF-style: chr2-232160928-G-A.
Other names: c.1735G>A, p.Val579Ile (NM_001271466.4, NM_001291656.2, NM_001352755.2 and 3 more transcripts); c.1636G>A, p.Val546Ile (NM_001352757.2, NM_001352758.2); short protein forms V546I, V579I.
Identifiers: ClinVar variation 1518529 (VCV001518529.5), dbSNP rs2125483074, ClinGen allele CA350957908.
Genomic context (GRCh38, chr2:231,296,215, plus strand): 5'-CCACTGTTTATCCATTATTCATTGATTCTTTTTTTCTTTATAGAAGAGCTACCAGATGGT[G>A]TTCTTGAATCTGATGATGATGAAGATGAAGATGATGAAGTAAGTTGGAGGTTCTTGACAC-3'
Protein context (NP_001339683.2, residues 569-589): QLNSEELPDG[Val579Ile]LESDDDEDED